The following is an entry in ClinVar:

NM_006859.4(LIAS):c.15C>G (p.Cys5Trp)

Genes: LIAS (lipoic acid synthetase; plus strand), LOC112939935 (Sharpr-MPRA regulatory region 11886; plus strand). Cytogenetic location: 4p14.
Variant type: single nucleotide variant.
Coding change: c.15C>G on transcript NM_006859.4 (MANE Select); coding-DNA position 15, C replaced by G.
Protein change: p.Cys5Trp; replaces cysteine 5 with tryptophan.
Molecular consequence: missense variant.
Genome position (GRCh38, 1-based): chr4:39,459,132, C>G. VCF-style: chr4-39459132-C-G. GRCh37 (hg19) VCF-style: chr4-39460752-C-G.
Other names: c.15C>G, p.Cys5Trp (NM_001278590.2, NM_001278591.2, NM_001278592.2 and 2 more transcripts); short protein forms C5W.
Identifiers: ClinVar variation 1024031 (VCV001024031.8), dbSNP rs1473782911, ClinGen allele CA356663480.

ClinVar aggregate classification (germline): Uncertain significance (1 of 4 stars; one submission).

Conditions:
Lipoic acid synthetase deficiency. Also called: HYPERGLYCINEMIA, LACTIC ACIDOSIS, AND SEIZURES. Identifiers: Orphanet 401859, MedGen C3280887, MONDO:0013762, OMIM 614462.

Allele frequency attached by ClinVar (database versions not stated): TOPMed below 0.00001.
gnomAD v4.1: 1 of 1,613,946 alleles (0.000062%); highest among the groups gnomAD compares: Admixed American, 0.0017%; no homozygotes.

Submission:

Labcorp Genetics (formerly Invitae), Labcorp
Classification: Uncertain significance for Lipoic acid synthetase deficiency. Last evaluated: 2024-02-24. Review status: criteria provided, single submitter. Criteria: Invitae Variant Classification Sherloc (09022015). Collection method: clinical testing. Allele origin: germline.
Comment: This sequence change replaces cysteine, which is neutral and slightly polar, with tryptophan, which is neutral and slightly polar, at codon 5 of the LIAS protein (p.Cys5Trp). This variant is not present in population databases (gnomAD no frequency). This variant has not been reported in the literature in individuals affected with LIAS-related conditions. ClinVar contains an entry for this variant (Variation ID: 1024031). An algorithm developed to predict the effect of missense changes on protein structure and function (PolyPhen-2) suggests that this variant is likely to be tolerated. In summary, the available evidence is currently insufficient to determine the role of this variant in disease. Therefore, it has been classified as a Variant of Uncertain Significance.